The following is an entry in ClinVar:

ClinVar aggregate classification (germline): Uncertain significance (1 of 4 stars; one submission).

Submission:

GeneDx
Classification: Uncertain significance. Last evaluated: 2025-07-04. Review status: criteria provided, single submitter. Criteria: GeneDx Variant Classification Process June 2021. Collection method: clinical testing. Allele origin: germline. Affected: yes.
Comment: Not observed at significant frequency in large population cohorts (gnomAD); In silico analysis suggests that this variant does not alter splicing; Has not been previously published as pathogenic or benign to our knowledge; Reported using an alternate transcript of the gene

NM_003242.6(TGFBR2):c.94+16232G>A

Gene: TGFBR2 (transforming growth factor beta receptor 2; plus strand). Cytogenetic location: 3p24.1.
Variant type: single nucleotide variant.
Coding change: c.94+16232G>A on transcript NM_003242.6 (MANE Select); 16232 bases into the intron after coding-DNA position 94, G replaced by A.
Molecular consequence: intron variant. On other transcripts: missense variant (5), 5 prime UTR variant (2).
Genome position (GRCh38, 1-based): chr3:30,623,209, G>A. VCF-style: chr3-30623209-G-A. GRCh37 (hg19) VCF-style: chr3-30664701-G-A.
Other names: c.105G>A, p.Met35Ile (NM_001024847.3, NM_001407126.1, NM_001407137.1 and 1 more transcripts); c.57G>A, p.Met19Ile (NM_001407128.1); c.-179G>A (NM_001407133.1); c.-189G>A (NM_001407136.1); c.-12+16616G>A (NM_001407129.1, NM_001407132.1); c.-114-9535G>A (NM_001407135.1); c.-67-11531G>A (NM_001407134.1); c.94+16232G>A (NM_001407127.1, NM_001407130.1, NM_001407138.1); short protein forms M19I, M35I.
Identifiers: ClinVar variation 4681053 (VCV004681053.1).